The following is an entry in ClinVar:

NM_001244008.2(KIF1A):c.1363G>C (p.Glu455Gln)

Gene: KIF1A (kinesin family member 1A; minus strand). Cytogenetic location: 2q37.3.
Variant type: single nucleotide variant.
Coding change: c.1363G>C on transcript NM_001244008.2 (MANE Select); coding-DNA position 1363, G replaced by C.
Protein change: p.Glu455Gln; replaces glutamic acid 455 with glutamine.
Molecular consequence: missense variant.
Genome position (GRCh38, 1-based): chr2:240,769,685, C>G on the plus strand (G>C on the coding strand, the complement: KIF1A is on the minus strand). VCF-style: chr2-240769685-C-G. GRCh37 (hg19) VCF-style: chr2-241709102-C-G.
Other names: c.1363G>C, p.Glu455Gln (NM_001320705.2, NM_001330289.2, NM_001379638.1); c.1438G>C, p.Glu480Gln (NM_001330290.2, NM_001379631.1, NM_001379634.1 and 2 more transcripts); c.1336G>C, p.Glu446Gln (NM_001379632.1, NM_001379633.1, NM_001379636.1 and 10 more transcripts); c.1411G>C, p.Glu471Gln (NM_001379637.1, NM_001379648.1); short protein forms E446Q, E455Q, E480Q, E471Q.
Identifiers: ClinVar variation 435630 (VCV000435630.16), dbSNP rs777894370, ClinGen allele CA2208421.

ClinVar aggregate classification (germline): Uncertain significance. Review status: criteria provided, multiple submitters, no conflicts (2 of 4 stars). 3 submissions from 3 submitters: Uncertain significance (3). Last evaluated 2025-07-30.

Conditions:
Inborn genetic diseases. Identifiers: MedGen C0950123, MeSH D030342.
Hereditary spastic paraplegia 30. Identifiers: Orphanet 101010, MedGen C5235139, MONDO:0012476.
Neuropathy, hereditary sensory, type 2C. Also called: Hereditary sensory and autonomic neuropathy type IIC; KIF1A-Related HSAN2 (HSAN2C). Identifiers: Orphanet 970, MedGen C3280168, MONDO:0013634, OMIM 614213.
Intellectual disability, autosomal dominant 9 (NESCAVS). Also called: KIF1A-Related Neurodevelopmental Disorder; NESCAV SYNDROME. Identifiers: Orphanet 662367, MedGen C5393830, MONDO:0013656, OMIM 614255.

Allele frequency attached by ClinVar (database versions not stated): ExAC 0.00001; gnomAD exomes 0.00001; TOPMed 0.00001; gnomAD 0.00002.
gnomAD v4.1: 18 of 1,613,448 alleles (0.0011%); highest among the groups gnomAD compares: African/African-American, 0.0027%; no homozygotes.

Submissions (3):

Labcorp Genetics (formerly Invitae), Labcorp
Classification: Uncertain significance for Hereditary spastic paraplegia 30; Neuropathy, hereditary sensory, type 2C; Intellectual disability, autosomal dominant 9. Last evaluated: 2025-07-30. Review status: criteria provided, single submitter. Criteria: Invitae Variant Classification Sherloc (09022015). Collection method: clinical testing. Allele origin: germline.
Comment: This sequence change replaces glutamic acid, which is acidic and polar, with glutamine, which is neutral and polar, at codon 446 of the KIF1A protein (p.Glu446Gln). This variant is present in population databases (rs777894370, gnomAD 0.002%). This variant has not been reported in the literature in individuals affected with KIF1A-related conditions. ClinVar contains an entry for this variant (Variation ID: 435630). Invitae Evidence Modeling of protein sequence and biophysical properties (such as structural, functional, and spatial information, amino acid conservation, physicochemical variation, residue mobility, and thermodynamic stability) indicates that this missense variant is expected to disrupt KIF1A protein function with a positive predictive value of 95%. In summary, the available evidence is currently insufficient to determine the role of this variant in disease. Therefore, it has been classified as a Variant of Uncertain Significance.

Ambry Genetics
Classification: Uncertain significance for Inborn genetic diseases. Last evaluated: 2022-03-03. Review status: criteria provided, single submitter. Criteria: Ambry Variant Classification Scheme 2023. Collection method: clinical testing. Allele origin: germline.
Comment: The p.E455Q variant (also known as c.1363G>C), located in coding exon 15 of the KIF1A gene, results from a G to C substitution at nucleotide position 1363. The glutamic acid at codon 455 is replaced by glutamine, an amino acid with highly similar properties. This amino acid position is highly conserved in available vertebrate species. In addition, the in silico prediction for this alteration is inconclusive. The evidence for this gene-disease relationship is limited; therefore, the clinical significance of this alteration is unclear.

Genetic Services Laboratory, University of Chicago
Classification: Uncertain significance. Last evaluated: 2015-09-22. Review status: criteria provided, single submitter. Criteria: ACMG Guidelines, 2015. Collection method: clinical testing. Allele origin: germline. Affected: no.